The following is an entry in ClinVar:

ClinVar aggregate classification (germline): Uncertain significance. Review status: criteria provided, multiple submitters, no conflicts (2 of 4 stars). 2 submissions from 2 submitters: Uncertain significance (2). Last evaluated 2025-12-30.

Conditions:
Hereditary nonpolyposis colorectal neoplasms. Identifiers: MedGen C0009405, MeSH D003123.
Hereditary cancer-predisposing syndrome. Also called: Neoplastic Syndromes, Hereditary; Tumor predisposition; Hereditary Cancer Syndrome; Hereditary neoplastic syndrome. Identifiers: Orphanet 140162, MedGen C0027672, MeSH D009386, MONDO:0015356.

Submissions (2):

Labcorp Genetics (formerly Invitae), Labcorp
Classification: Uncertain significance for Hereditary nonpolyposis colorectal neoplasms. Last evaluated: 2025-12-30. Review status: criteria provided, single submitter. Criteria: Invitae Variant Classification Sherloc (09022015). Collection method: clinical testing. Allele origin: germline.
Comment: This sequence change replaces aspartic acid, which is acidic and polar, with glycine, which is neutral and non-polar, at codon 904 of the MSH6 protein (p.Asp904Gly). This variant is not present in population databases (gnomAD no frequency). This variant has not been reported in the literature in individuals affected with MSH6-related conditions. ClinVar contains an entry for this variant (Variation ID: 483872). Invitae Evidence Modeling of protein sequence and biophysical properties (such as structural, functional, and spatial information, amino acid conservation, physicochemical variation, residue mobility, and thermodynamic stability) has been performed for this missense variant. However, the output from this modeling did not meet the statistical confidence thresholds required to predict the impact of this variant on MSH6 protein function. In summary, the available evidence is currently insufficient to determine the role of this variant in disease. Therefore, it has been classified as a Variant of Uncertain Significance.

Ambry Genetics
Classification: Uncertain significance for Hereditary cancer-predisposing syndrome. Last evaluated: 2017-06-28. Review status: criteria provided, single submitter. Criteria: Ambry Variant Classification Scheme 2023. Collection method: clinical testing. Allele origin: germline.
Comment: The p.D904G variant (also known as c.2711A>G), located in coding exon 4 of the MSH6 gene, results from an A to G substitution at nucleotide position 2711. The aspartic acid at codon 904 is replaced by glycine, an amino acid with similar properties. This amino acid position is highly conserved in available vertebrate species. In addition, this alteration is predicted to be deleterious by in silico analysis. In addition, the CoDP in silico tool predicts this alteration to likely impair molecular function, with a score of 0.861 (Terui H et al. J. Biomed. Sci. 2013 Apr;20:25). Since supporting evidence is limited at this time, the clinical significance of this alteration remains unclear.

NM_000179.3(MSH6):c.2711A>G (p.Asp904Gly)

Gene: MSH6 (mutS homolog 6; plus strand). Cytogenetic location: 2p16.3.
Variant type: single nucleotide variant.
Coding change: c.2711A>G on transcript NM_000179.3 (MANE Select); coding-DNA position 2711, A replaced by G.
Protein change: p.Asp904Gly; replaces aspartic acid 904 with glycine.
Molecular consequence: missense variant.
Genome position (GRCh38, 1-based): chr2:47,800,694, A>G. VCF-style: chr2-47800694-A-G. GRCh37 (hg19) VCF-style: chr2-48027833-A-G.
Other names: c.2321A>G, p.Asp774Gly (NM_001281492.2); c.1805A>G, p.Asp602Gly (NM_001281493.2, NM_001281494.2); short protein forms D904G, D774G, D602G.
Identifiers: ClinVar variation 483872 (VCV000483872.11), dbSNP rs1553414049, ClinGen allele CA346755339.
Genomic context (GRCh38, chr2:47,800,694, plus strand): 5'-CTAAAATCCTTAAGCAGGTCATCTCTCTGCAGACAAAAAATCCTGAAGGTCGTTTTCCTG[A>G]TTTGACTGTAGAATTGAACCGATGGGATACAGCCTTTGACCATGAAAAGGCTCGAAAGAC-3'
Protein context (NP_000170.1, residues 894-914): QTKNPEGRFP[Asp904Gly]LTVELNRWDT